The following is an entry in ClinVar:

NM_020184.4(CNNM4):c.1382T>C (p.Met461Thr)

Gene: CNNM4 (cyclin and CBS domain divalent metal cation transport mediator 4; plus strand). Cytogenetic location: 2q11.2.
Variant type: single nucleotide variant.
Coding change: c.1382T>C on transcript NM_020184.4 (MANE Select); coding-DNA position 1382, T replaced by C.
Protein change: p.Met461Thr; replaces methionine 461 with threonine.
Molecular consequence: missense variant.
Genome position (GRCh38, 1-based): chr2:96,762,381, T>C. VCF-style: chr2-96762381-T-C. GRCh37 (hg19) VCF-style: chr2-97428118-T-C.
Other names: short protein forms M461T.
Identifiers: ClinVar variation 1472766 (VCV001472766.5), dbSNP rs757791003, ClinGen allele CA1783336.

ClinVar aggregate classification (germline): Uncertain significance (1 of 4 stars; one submission).

Allele frequency attached by ClinVar (database versions not stated): ExAC 0.00001; gnomAD exomes 0.00001; TOPMed 0.00001; gnomAD 0.00001.
gnomAD v4.1: 36 of 1,614,028 alleles (0.0022%); highest among the groups gnomAD compares: Non-Finnish European, 0.0029%; no homozygotes.

Submission:

Labcorp Genetics (formerly Invitae), Labcorp
Classification: Uncertain significance. Last evaluated: 2022-03-27. Review status: criteria provided, single submitter. Criteria: Invitae Variant Classification Sherloc (09022015). Collection method: clinical testing. Allele origin: germline.
Comment: This sequence change replaces methionine, which is neutral and non-polar, with threonine, which is neutral and polar, at codon 461 of the CNNM4 protein (p.Met461Thr). This variant is present in population databases (rs757791003, gnomAD 0.002%). This variant has not been reported in the literature in individuals affected with CNNM4-related conditions. Algorithms developed to predict the effect of missense changes on protein structure and function (SIFT, PolyPhen-2, Align-GVGD) all suggest that this variant is likely to be disruptive. In summary, the available evidence is currently insufficient to determine the role of this variant in disease. Therefore, it has been classified as a Variant of Uncertain Significance.